The following is an entry in ClinVar:

NM_002860.4(ALDH18A1):c.2062A>G (p.Ile688Val)

Gene: ALDH18A1 (aldehyde dehydrogenase 18 family member A1; minus strand). Cytogenetic location: 10q24.1.
Variant type: single nucleotide variant.
Coding change: c.2062A>G on transcript NM_002860.4 (MANE Select); coding-DNA position 2062, A replaced by G.
Protein change: p.Ile688Val; replaces isoleucine 688 with valine.
Molecular consequence: missense variant.
Genome position (GRCh38, 1-based): chr10:95,611,304, T>C on the plus strand (A>G on the coding strand, the complement: ALDH18A1 is on the minus strand). VCF-style: chr10-95611304-T-C. GRCh37 (hg19) VCF-style: chr10-97371061-T-C.
Other names: c.2056A>G, p.Ile686Val (NM_001017423.2, NM_001323415.2); c.1729A>G, p.Ile577Val (NM_001323412.2, NM_001323416.2); c.2062A>G, p.Ile688Val (NM_001323413.2, NM_001323414.2); c.1957A>G, p.Ile653Val (NM_001323417.2); c.1723A>G, p.Ile575Val (NM_001323418.2); c.1426A>G, p.Ile476Val (NM_001323419.2); short protein forms I476V, I575V, I577V, I653V, I686V, I688V.
Identifiers: ClinVar variation 1690816 (VCV001690816.2), dbSNP rs1266603998, ClinGen allele CA377699887.

ClinVar aggregate classification (germline): Uncertain significance (1 of 4 stars; one submission).

Allele frequency attached by ClinVar (database versions not stated): TOPMed below 0.00001.

Submission:

Laboratorio de Genetica e Diagnostico Molecular, Hospital Israelita Albert Einstein
Classification: Uncertain significance. Last evaluated: 2020-02-19. Review status: criteria provided, single submitter. Criteria: ACMG Guidelines, 2015. Collection method: clinical testing. Allele origin: germline. Affected: yes.
Comment: ACMG classification criteria: PM2